The following is an entry in ClinVar:

NM_032119.4(ADGRV1):c.4192del (p.Leu1398fs)

Gene: ADGRV1 (adhesion G protein-coupled receptor V1; plus strand). Cytogenetic location: 5q14.3.
Variant type: Deletion.
Coding change: c.4192del on transcript NM_032119.4 (MANE Select); coding-DNA position 4192, one base deleted (C; older notation c.4192delC).
Protein change: p.Leu1398fs; shifts the reading frame from leucine 1398.
Molecular consequence: frameshift variant. On other transcripts: non-coding transcript variant (1).
Genome position (GRCh38, 1-based): chr5:90,653,766, C deleted; the last of 3 consecutive C bases (chr5:90,653,764-90,653,766); deleting any one gives the same sequence. VCF-style (leftmost placement, unchanged base first): chr5-90653763-TC-T. GRCh37 (hg19) VCF-style: chr5-89949580-TC-T.
Other names: short protein forms L1398fs.
Identifiers: ClinVar variation 1907517 (VCV001907517.6), dbSNP rs867985408, ClinGen allele CA121839954.

ClinVar aggregate classification (germline): Pathogenic/Likely pathogenic. Review status: criteria provided, multiple submitters, no conflicts (2 of 4 stars). 2 submissions from 2 submitters: Pathogenic (1); Likely pathogenic (1). Last evaluated 2023-08-23.

Conditions:
ADGRV1-related disorder. Also called: ADGRV1-related disorders; ADGRV1-related condition.

Submissions (2):

Labcorp Genetics (formerly Invitae), Labcorp
Classification: Pathogenic. Last evaluated: 2023-08-23. Review status: criteria provided, single submitter. Criteria: Invitae Variant Classification Sherloc (09022015). Collection method: clinical testing. Allele origin: germline.
Comment: This sequence change creates a premature translational stop signal (p.Leu1398Phefs*19) in the ADGRV1 gene. It is expected to result in an absent or disrupted protein product. Loss-of-function variants in ADGRV1 are known to be pathogenic (PMID: 19357117, 22135276, 22147658, 26226137, 30718709, 31047384, 32467589). This variant is present in population databases (no rsID available, gnomAD 0.003%). This variant has not been reported in the literature in individuals affected with ADGRV1-related conditions. ClinVar contains an entry for this variant (Variation ID: 1907517). For these reasons, this variant has been classified as Pathogenic.

Blueprint Genetics
Classification: Likely pathogenic for ADGRV1-related disorders. Last evaluated: 2019-08-09. Review status: criteria provided, single submitter. Criteria: ACMG Guidelines, 2015. Collection method: clinical testing. Allele origin: germline. Affected: yes. Observed: 1 variant allele.

Literature cited by the submitters: PubMed 19357117 (cited by Labcorp Genetics (formerly Invitae), Labcorp); PubMed 22135276 (cited by Labcorp Genetics (formerly Invitae), Labcorp); PubMed 22147658 (cited by Labcorp Genetics (formerly Invitae), Labcorp); PubMed 26226137 (cited by Labcorp Genetics (formerly Invitae), Labcorp); PubMed 30718709 (cited by Labcorp Genetics (formerly Invitae), Labcorp); PubMed 31047384 (cited by Labcorp Genetics (formerly Invitae), Labcorp); PubMed 32467589 (cited by Labcorp Genetics (formerly Invitae), Labcorp).